The following is an entry in ClinVar:

NM_015665.6(AAAS):c.1331+1G>C

Gene: AAAS (aladin WD repeat nucleoporin; minus strand). Cytogenetic location: 12q13.13.
Variant type: single nucleotide variant.
Coding change: c.1331+1G>C on transcript NM_015665.6 (MANE Select); the canonical splice donor site of the intron after coding-DNA position 1331, G replaced by C.
Molecular consequence: splice donor variant.
Genome position (GRCh38, 1-based): chr12:53,308,051, C>G on the plus strand (G>C on the coding strand, the complement: AAAS is on the minus strand). VCF-style: chr12-53308051-C-G. GRCh37 (hg19) VCF-style: chr12-53701835-C-G.
Other names: c.1232+1G>C (NM_001173466.2).
Identifiers: ClinVar variation 2870426 (VCV002870426.4), dbSNP rs150511103, ClinGen allele CA6598879.
Genomic context (GRCh38, chr12:53,308,051, plus strand): 5'-GGTTTGTTTGTGCAGGAAGGCTGGTGAGAAGTCCAGACCTAAGGGCCCACATGGCACTTA[C>G]CAGGGAAGGAGCTCAAACACAGGGCTGTTTCGAGTGCGAAAAAGGAGGATGACTGGTTTA-3'

ClinVar aggregate classification (germline): Pathogenic/Likely pathogenic. Review status: criteria provided, multiple submitters, no conflicts (2 of 4 stars). 2 submissions from 2 submitters: Pathogenic (1); Likely pathogenic (1). Last evaluated 2024-03-13.

Conditions:
Glucocorticoid deficiency with achalasia (AAAS). Also called: AAA syndrome; Allgrove syndrome; ALACRIMA-ACHALASIA-ADRENAL INSUFFICIENCY NEUROLOGIC DISORDER; Achalasia-addisonianism-alacrimia syndrome; Triple-A syndrome; Alacrima-achalasia-addisonianism. Identifiers: Orphanet 869, MedGen C0271742, MONDO:0009279, OMIM 231550.

Allele frequency attached by ClinVar (database versions not stated): ESP Exome Variant Server 0.00015; 1000 Genomes Project 30x 0.00016.
gnomAD v4.1: 6 of 1,614,202 alleles (0.00037%); highest among the groups gnomAD compares: African/African-American, 0.0053%; no homozygotes.

Submissions (2):

Labcorp Genetics (formerly Invitae), Labcorp
Classification: Pathogenic. Last evaluated: 2024-03-13. Review status: criteria provided, single submitter. Criteria: Invitae Variant Classification Sherloc (09022015). Collection method: clinical testing. Allele origin: germline.
Comment: This sequence change affects a donor splice site in intron 14 of the AAAS gene. It is expected to disrupt RNA splicing. Variants that disrupt the donor or acceptor splice site typically lead to a loss of protein function (PMID: 16199547), and loss-of-function variants in AAAS are known to be pathogenic (PMID: 11159947). This variant is not present in population databases (gnomAD no frequency). Disruption of this splice site has been observed in individual(s) with achalasia-addisonianism-alacrimia syndrome (PMID: 11062474, 20051279, 25247238, 26595337). It has also been observed to segregate with disease in related individuals. Studies have shown that disruption of this splice site is associated with inconclusive levels of altered splicing (PMID: 11062474). For these reasons, this variant has been classified as Pathogenic.

Revvity Omics, Revvity
Classification: Likely pathogenic for Glucocorticoid deficiency with achalasia. Last evaluated: 2024-03-12. Review status: criteria provided, single submitter. Criteria: ACMG Guidelines, 2015. Collection method: clinical testing. Allele origin: germline.

Literature cited by the submitters: PubMed 16199547 (cited by Labcorp Genetics (formerly Invitae), Labcorp); PubMed 11159947 (cited by Labcorp Genetics (formerly Invitae), Labcorp); PubMed 11062474 (cited by Labcorp Genetics (formerly Invitae), Labcorp); PubMed 20051279 (cited by Labcorp Genetics (formerly Invitae), Labcorp); PubMed 25247238 (cited by Labcorp Genetics (formerly Invitae), Labcorp); PubMed 26595337 (cited by Labcorp Genetics (formerly Invitae), Labcorp).